The following is an entry in ClinVar:

NM_000400.4(ERCC2):c.76C>T (p.Arg26Trp)

Gene: ERCC2 (ERCC excision repair 2, TFIIH core complex helicase subunit; minus strand). Cytogenetic location: 19q13.32.
Variant type: single nucleotide variant.
Coding change: c.76C>T on transcript NM_000400.4 (MANE Select); coding-DNA position 76, C replaced by T.
Protein change: p.Arg26Trp; replaces arginine 26 with tryptophan.
Molecular consequence: missense variant.
Genome position (GRCh38, 1-based): chr19:45,370,162, G>A on the plus strand (C>T on the coding strand, the complement: ERCC2 is on the minus strand). VCF-style: chr19-45370162-G-A. GRCh37 (hg19) VCF-style: chr19-45873420-G-A.
Other names: c.4C>T, p.Arg2Trp (NM_001130867.2); short protein forms R26W, R2W.
Identifiers: ClinVar variation 1760208 (VCV001760208.3), dbSNP rs933045867, ClinGen allele CA308975159.

ClinVar aggregate classification (germline): Uncertain significance (1 of 4 stars; one submission).

Conditions:
Inborn genetic diseases. Identifiers: MedGen C0950123, MeSH D030342.

Allele frequency attached by ClinVar (database versions not stated): TOPMed below 0.00001; gnomAD 0.00001.
gnomAD v4.1: 5 of 1,613,114 alleles (0.00031%); highest among the groups gnomAD compares: African/African-American, 0.0053%; no homozygotes.

Submission:

Ambry Genetics
Classification: Uncertain significance for Inborn genetic diseases. Last evaluated: 2023-06-24. Review status: criteria provided, single submitter. Criteria: Ambry Variant Classification Scheme 2023. Collection method: clinical testing. Allele origin: germline.
Comment: The p.R26W variant (also known as c.76C>T), located in coding exon 2 of the ERCC2 gene, results from a C to T substitution at nucleotide position 76. The arginine at codon 26 is replaced by tryptophan, an amino acid with dissimilar properties. This amino acid position is conserved. In addition, the in silico prediction for this alteration is inconclusive. Since supporting evidence is limited at this time, the clinical significance of this alteration remains unclear.